The following is an entry in ClinVar:

NM_001267550.2(TTN):c.88955T>C (p.Val29652Ala)

Genes: TTN (titin; minus strand), TTN-AS1 (TTN antisense RNA 1; plus strand). Cytogenetic location: 2q31.2.
Variant type: single nucleotide variant.
Coding change: c.88955T>C on transcript NM_001267550.2 (MANE Select); coding-DNA position 88955, T replaced by C.
Protein change: p.Val29652Ala; replaces valine 29652 with alanine.
Molecular consequence: missense variant.
Genome position (GRCh38, 1-based): chr2:178,554,156, A>G on the plus strand (T>C on the coding strand, the complement: TTN is on the minus strand). VCF-style: chr2-178554156-A-G. GRCh37 (hg19) VCF-style: chr2-179418883-A-G.
Other names: c.84032T>C, p.Val28011Ala (NM_001256850.1); c.61760T>C, p.Val20587Ala (NM_003319.4); c.81251T>C, p.Val27084Ala (NM_133378.4); c.62135T>C, p.Val20712Ala (NM_133432.3); c.62336T>C, p.Val20779Ala (NM_133437.4); short protein forms V27084A, V29652A, V20587A, V20712A, V20779A, V28011A.
Identifiers: ClinVar variation 497090 (VCV000497090.7), dbSNP rs748609330, ClinGen allele CA1988008.
Genomic context (GRCh38, chr2:178,554,156, plus strand): 5'-TTTTCAAGGAAATAGCCACTTATATCACTACCGCCATCTGCAATTGGCCTGCTCCATACA[A>G]CAGTCATCGAATTCTTGGTAATCTTTGTCACTTCTGGTATGCCTGGTGGCCCAGGTGTAA-3'
Protein context (NP_001254479.2, residues 29642-29662): VTKITKNSMT[Val29652Ala]VWSRPIADGG

ClinVar aggregate classification (germline): Uncertain significance. Review status: criteria provided, multiple submitters, no conflicts (2 of 4 stars). 3 submissions from 3 submitters: Uncertain significance (3). Last evaluated 2025-10-07.

Conditions:
TTN-related disorder. Also called: TTN-related condition; TTN-related disease; TTN-related disorders.
Early-onset myopathy with fatal cardiomyopathy (CMYO5). Also called: Salih Myopathy; CONGENITAL MYOPATHY 5 WITH CARDIOMYOPATHY. Identifiers: Orphanet 289377, MedGen C2673677, MONDO:0012714, OMIM 611705. Disease mechanism: loss of function.
Tibial muscular dystrophy (TMD). Also called: Tibial muscular dystrophy, tardive; UDD MYOPATHY; Udd Distal Myopathy – Tibial Muscular Dystrophy. Identifiers: Orphanet 609, MedGen C1838244, MONDO:0010870, OMIM 600334.
Dilated cardiomyopathy 1G (CMD1G). Identifiers: Orphanet 154, MedGen C1858763, MONDO:0011400, OMIM 604145.
Autosomal recessive limb-girdle muscular dystrophy type 2J (LGMDR10). Also called: Limb-girdle muscular dystrophy, type 2J; MUSCULAR DYSTROPHY, LIMB-GIRDLE, AUTOSOMAL RECESSIVE 10. Identifiers: Orphanet 140922, MedGen C1837342, MONDO:0012127, OMIM 608807.
Hypertrophic cardiomyopathy 9. Also called: Familial hypertrophic cardiomyopathy 9. Identifiers: MedGen C1861065, MONDO:0013412, OMIM 613765.
Myopathy, myofibrillar, 9, with early respiratory failure (MFM9). Also called: EDSTROM MYOPATHY; Myopathy, distal, with early respiratory failure, autosomal dominant; Hereditary myopathy with early respiratory failure; MYOPATHY, PROXIMAL, WITH EARLY RESPIRATORY MUSCLE INVOLVEMENT. Identifiers: Orphanet 178464, Orphanet 34521, MedGen C1863599, MONDO:0011362, OMIM 603689.

Allele frequency attached by ClinVar (database versions not stated): ExAC 0.00001; gnomAD exomes 0.00001 and 0.00002; TOPMed 0.00001; gnomAD 0.00002.
gnomAD v4.1: 17 of 1,611,448 alleles (0.0011%); highest among the groups gnomAD compares: Non-Finnish European, 0.0014%; no homozygotes.

Submissions (3):

PreventionGenetics, part of Exact Sciences
Classification: Uncertain significance for TTN-related condition. Last evaluated: 2025-10-07. Review status: criteria provided, single submitter. Criteria: ACMG Guidelines, 2015. Collection method: clinical testing. Allele origin: germline.
Comment: The TTN c.88955T>C variant is predicted to result in the amino acid substitution p.Val29652Ala. To our knowledge, this variant has not been reported in the literature. This variant is reported in 0.0048% of alleles in individuals of European (Non-Finnish) descent in gnomAD. At this time, the clinical significance of this variant is uncertain due to the absence of conclusive functional and genetic evidence.

Fulgent Genetics
Classification: Uncertain significance for Tibial muscular dystrophy; Myopathy, myofibrillar, 9, with early respiratory failure; Dilated cardiomyopathy 1G; Autosomal recessive limb-girdle muscular dystrophy type 2J; Early-onset myopathy with fatal cardiomyopathy; Hypertrophic cardiomyopathy 9. Last evaluated: 2021-10-06. Review status: criteria provided, single submitter. Criteria: ACMG Guidelines, 2015. Collection method: clinical testing. Allele origin: unknown.

Eurofins Ntd Llc (ga)
Classification: Uncertain significance. Last evaluated: 2016-12-01. Review status: criteria provided, single submitter. Criteria: EGL Classification Definitions 2015. Collection method: clinical testing. Allele origin: germline. Observed: 2 variant alleles, 2 heterozygotes.